The following is an entry in ClinVar:

ClinVar aggregate classification (germline): Uncertain significance (1 of 4 stars; one submission).

Conditions:
Severe combined immunodeficiency due to DNA-PKcs deficiency. Also called: IMMUNODEFICIENCY 26 WITH NEUROLOGIC ABNORMALITIES; Immunodeficiency 26 with or without neurologic abnormalities. Identifiers: Orphanet 317425, MedGen C4014833, MONDO:0014423, OMIM 615966.

Allele frequency attached by ClinVar (database versions not stated): TOPMed 0.00001; ExAC 0.00003.
gnomAD v4.1: 3 of 1,573,026 alleles (0.00019%); highest among the groups gnomAD compares: Admixed American, 0.0037%; no homozygotes.

Submission:

Labcorp Genetics (formerly Invitae), Labcorp
Classification: Uncertain significance for Severe combined immunodeficiency due to DNA-PKcs deficiency. Last evaluated: 2022-06-02. Review status: criteria provided, single submitter. Criteria: Invitae Variant Classification Sherloc (09022015). Collection method: clinical testing. Allele origin: germline.
Comment: This sequence change replaces arginine, which is basic and polar, with leucine, which is neutral and non-polar, at codon 3741 of the PRKDC protein (p.Arg3741Leu). This variant is not present in population databases (gnomAD no frequency). This variant has not been reported in the literature in individuals affected with PRKDC-related conditions. ClinVar contains an entry for this variant (Variation ID: 541993). In summary, the available evidence is currently insufficient to determine the role of this variant in disease. Therefore, it has been classified as a Variant of Uncertain Significance.

NM_006904.7(PRKDC):c.11222G>T (p.Arg3741Leu)

Gene: PRKDC (protein kinase, DNA-activated, catalytic subunit; minus strand). Cytogenetic location: 8q11.21.
Variant type: single nucleotide variant.
Coding change: c.11222G>T on transcript NM_006904.7 (MANE Select); coding-DNA position 11222, G replaced by T.
Protein change: p.Arg3741Leu; replaces arginine 3741 with leucine.
Molecular consequence: missense variant.
Genome position (GRCh38, 1-based): chr8:47,782,552, C>A on the plus strand (G>T on the coding strand, the complement: PRKDC is on the minus strand). VCF-style: chr8-47782552-C-A. GRCh37 (hg19) VCF-style: chr8-48695113-C-A.
Other names: c.11222G>T, p.Arg3741Leu (NM_001081640.2); short protein forms R3741L.
Identifiers: ClinVar variation 541993 (VCV000541993.3), dbSNP rs759518580, ClinGen allele CA4739137.